The following is an entry in ClinVar:

ClinVar aggregate classification (germline): Pathogenic. Review status: reviewed by expert panel (3 of 4 stars). 2 submissions from 2 submitters: Pathogenic (1). 1 of the submissions does not count toward it. Last evaluated 2016-10-18.

Conditions:
Breast-ovarian cancer, familial, susceptibility to, 1 (BROVCA1). Also called: BRCA1 Hereditary Breast and Ovarian Cancer; OVARIAN CANCER, SUSCEPTIBILITY TO. Identifiers: Orphanet 145, MedGen C2676676, MONDO:0011450, OMIM 604370. Disease mechanism: loss of function.

Submissions (2):

Evidence-based Network for the Interpretation of Germline Mutant Alleles (ENIGMA)
Classification: Pathogenic for Breast-ovarian cancer, familial, susceptibility to, 1. Last evaluated: 2016-10-18. Review status: reviewed by expert panel. Criteria: ENIGMA BRCA1/2 Classification Criteria (2015). Collection method: curation. Allele origin: germline.
Comment: Variant allele predicted to encode a truncated non-functional protein.

Consortium of Investigators of Modifiers of BRCA1/2 (CIMBA), c/o University of Cambridge
Classification: Pathogenic for Breast-ovarian cancer, familial, susceptibility to, 1. Last evaluated: 2015-10-02. Review status: criteria provided, single submitter. Criteria: CIMBA Mutation Classification guidelines May 2016. Collection method: clinical testing. Allele origin: germline. Not counted in ClinVar's aggregate classification.

NM_007294.4(BRCA1):c.1942G>T (p.Glu648Ter)

Gene: BRCA1 (BRCA1 DNA repair associated; minus strand). Cytogenetic location: 17q21.31.
Variant type: single nucleotide variant.
Coding change: c.1942G>T on transcript NM_007294.4 (MANE Select); coding-DNA position 1942, G replaced by T.
Protein change: p.Glu648Ter; replaces glutamic acid 648 with a stop codon.
Molecular consequence: nonsense. On other transcripts: intron variant (137).
Genome position (GRCh38, 1-based): chr17:43,093,589, C>A on the plus strand (G>T on the coding strand, the complement: BRCA1 is on the minus strand). VCF-style: chr17-43093589-C-A. GRCh37 (hg19) VCF-style: chr17-41245606-C-A.
Other names: 2061G>T; c.1729G>T, p.Glu577Ter (NM_001407571.1, NM_001407853.1, NM_001407894.1 and 9 more transcripts); c.1942G>T, p.Glu648Ter (NM_001407581.1, NM_001407582.1, NM_001407583.1 and 30 more transcripts); c.1939G>T, p.Glu647Ter (NM_001407587.1, NM_001407590.1, NM_001407591.1 and 22 more transcripts); c.1864G>T, p.Glu622Ter (NM_001407658.1, NM_001407663.1, NM_001407653.1 and 4 more transcripts); c.1861G>T, p.Glu621Ter (NM_001407659.1, NM_001407660.1, NM_001407661.1 and 1 more transcripts); c.1819G>T, p.Glu607Ter (NM_001407664.1, NM_001407665.1, NM_001407666.1 and 19 more transcripts); c.1816G>T, p.Glu606Ter (NM_001407685.1, NM_001407940.1, NM_001407941.1 and 11 more transcripts); and 41 more; short protein forms E648*, E601*, E352*, E480*, E521*, E536*, E559*, E647*.
Identifiers: ClinVar variation 266204 (VCV000266204.6), dbSNP rs886039984, ClinGen allele CA10589907.